The following is an entry in ClinVar:

ClinVar aggregate classification (germline): Likely pathogenic (1 of 4 stars; one submission).

gnomAD v4.1: 2 of 1,614,048 alleles (0.00012%); highest among the groups gnomAD compares: Non-Finnish European, 0.00017%; no homozygotes.

Submission:

Labcorp Genetics (formerly Invitae), Labcorp
Classification: Likely pathogenic. Last evaluated: 2023-01-15. Review status: criteria provided, single submitter. Criteria: Invitae Variant Classification Sherloc (09022015). Collection method: clinical testing. Allele origin: germline.
Comment: This variant is not present in population databases (gnomAD no frequency). This sequence change replaces arginine, which is basic and polar, with glycine, which is neutral and non-polar, at codon 184 of the ALPL protein (p.Arg184Gly). This variant has not been reported in the literature in individuals affected with ALPL-related conditions. Advanced modeling of protein sequence and biophysical properties (such as structural, functional, and spatial information, amino acid conservation, physicochemical variation, residue mobility, and thermodynamic stability) performed at Invitae indicates that this missense variant is expected to disrupt ALPL protein function. This variant disrupts the p.Arg184 amino acid residue in ALPL. Other variant(s) that disrupt this residue have been determined to be pathogenic (PMID: 9781036, 10332035, 11479741, 19232125, 19500388, 24276437, 25731960, 26432670). This suggests that this residue is clinically significant, and that variants that disrupt this residue are likely to be disease-causing. In summary, the currently available evidence indicates that the variant is pathogenic, but additional data are needed to prove that conclusively. Therefore, this variant has been classified as Likely Pathogenic.

Literature cited by the submitters: PubMed 9781036; PubMed 10332035; PubMed 11479741; PubMed 19232125; PubMed 19500388; PubMed 24276437; PubMed 25731960; PubMed 26432670.

NM_000478.6(ALPL):c.550C>G (p.Arg184Gly)

Gene: ALPL (alkaline phosphatase, biomineralization associated; plus strand). Cytogenetic location: 1p36.12.
Variant type: single nucleotide variant.
Coding change: c.550C>G on transcript NM_000478.6 (MANE Select); coding-DNA position 550, C replaced by G.
Protein change: p.Arg184Gly; replaces arginine 184 with glycine.
Molecular consequence: missense variant.
Genome position (GRCh38, 1-based): chr1:21,564,118, C>G. VCF-style: chr1-21564118-C-G. GRCh37 (hg19) VCF-style: chr1-21890611-C-G.
Other names: c.385C>G, p.Arg129Gly (NM_001127501.4); c.319C>G, p.Arg107Gly (NM_001177520.3); c.550C>G, p.Arg184Gly (NM_001369803.2, NM_001369804.2, NM_001369805.2); short protein forms R184G, R107G, R129G.
Identifiers: ClinVar variation 2828679 (VCV002828679.3), dbSNP rs763159520, ClinGen allele CA338877991.